The following is an entry in ClinVar:

NM_000531.6(OTC):c.890A>T (p.Asp297Val)

Gene: OTC (ornithine transcarbamylase; plus strand). Cytogenetic location: Xp11.4.
Variant type: single nucleotide variant.
Coding change: c.890A>T on transcript NM_000531.6 (MANE Select); coding-DNA position 890, A replaced by T.
Protein change: p.Asp297Val; replaces aspartic acid 297 with valine.
Molecular consequence: missense variant.
Genome position (GRCh38, 1-based): chrX:38,411,884, A>T. VCF-style: chrX-38411884-A-T. GRCh37 (hg19) VCF-style: chrX-38271137-A-T.
Other names: c.890A>T, p.Asp297Val (NM_001407092.1); short protein forms D297V.
Identifiers: ClinVar variation 3775940 (VCV003775940.1).

ClinVar aggregate classification (germline): Uncertain significance (1 of 4 stars; one submission).

Conditions:
Ornithine carbamoyltransferase deficiency (OTCD). Also called: Ornithine Carbamoyltransferase Deficiency Disease; OTC DEFICIENCY; ORNITHINE TRANSCARBAMYLASE DEFICIENCY; ORNITHINE TRANSCARBAMYLASE DEFICIENCY, HYPERAMMONEMIA DUE TO. Identifiers: Orphanet 664, MedGen C0268542, MONDO:0010703, OMIM 311250.

Submission:

3billion
Classification: Uncertain significance for Ornithine carbamoyltransferase deficiency. Last evaluated: 2023-09-27. Review status: criteria provided, single submitter. Criteria: ACMG Guidelines, 2015. Collection method: clinical testing. Allele origin: germline. Affected: yes.
Comment: The variant is not observed in the gnomAD v2.1.1 dataset. Predicted Consequence/Location: Missense variant In silico tool predictions suggest damaging effect of the variant on gene or gene product [REVEL: 0.94 (>=0.6, sensitivity 0.68 and specificity 0.92); 3Cnet: 0.73 (>=0.6, sensitivity 0.72 and precision 0.9)]. Different missense changes at the same codon (p.Asp297His, p.Asp297Tyr) have been reported to be associated with OTC related disorder (PMID: 19138872, 33190319). However the evidence of pathogenicity is insufficient at this time. Therefore, this variant is classified as VUS according to the recommendation of ACMG/AMP guideline.

Literature cited by the submitters: PubMed 19138872.